The following is an entry in ClinVar:

ClinVar aggregate classification (germline): Conflicting classifications of pathogenicity. Review status: criteria provided, conflicting classifications (1 of 4 stars). 4 submissions from 4 submitters: Uncertain significance (1); Likely benign (2). 1 of the submissions does not count toward it. Last evaluated 2024-09-13.

Conditions:
ARSG-related disorder. Also called: ARSG-related condition.

Allele frequency attached by ClinVar (database versions not stated): gnomAD exomes 0.00006; ExAC 0.00007; TOPMed 0.00007; gnomAD 0.00011; 1000 Genomes Project 30x 0.00047; 1000 Genomes Project 0.00060.
gnomAD v4.1: 63 of 1,613,822 alleles (0.0039%); highest among the groups gnomAD compares: African/African-American, 0.035%; no homozygotes.

Submissions (4):

Blueprint Genetics
Classification: Likely benign. Last evaluated: 2024-09-13. Review status: criteria provided, single submitter. Criteria: ACMG Guidelines, 2015. Collection method: clinical testing. Allele origin: germline.

Ambry Genetics
Classification: Likely benign. Last evaluated: 2024-07-14. Review status: criteria provided, single submitter. Criteria: Ambry Variant Classification Scheme 2023. Collection method: clinical testing. Allele origin: germline.

Labcorp Genetics (formerly Invitae), Labcorp
Classification: Uncertain significance. Last evaluated: 2023-11-27. Review status: criteria provided, single submitter. Criteria: Invitae Variant Classification Sherloc (09022015). Collection method: clinical testing. Allele origin: germline.
Comment: This sequence change affects codon 364 of the ARSG mRNA. It is a 'silent' change, meaning that it does not change the encoded amino acid sequence of the ARSG protein. It affects a nucleotide within the consensus splice site. This variant is present in population databases (rs199774302, gnomAD 0.02%). This variant has not been reported in the literature in individuals affected with ARSG-related conditions. ClinVar contains an entry for this variant (Variation ID: 1435253). Algorithms developed to predict the effect of sequence changes on RNA splicing suggest that this variant is not likely to affect RNA splicing. In summary, the available evidence is currently insufficient to determine the role of this variant in disease. Therefore, it has been classified as a Variant of Uncertain Significance.

PreventionGenetics, part of Exact Sciences
Classification: Likely benign for ARSG-related condition. Last evaluated: 2020-10-09. Review status: no assertion criteria provided. Collection method: clinical testing. Allele origin: germline. Not counted in ClinVar's aggregate classification.
Comment: This variant is classified as likely benign based on ACMG/AMP sequence variant interpretation guidelines (Richards et al. 2015 PMID: 25741868, with internal and published modifications).

NM_001267727.2(ARSG):c.1092C>T (p.Ser364=)

Gene: ARSG (arylsulfatase G; plus strand). Cytogenetic location: 17q24.2.
Variant type: single nucleotide variant.
Coding change: c.1092C>T on transcript NM_001267727.2 (MANE Select); coding-DNA position 1092, C replaced by T.
Protein change: p.Ser364=; no amino-acid change (serine 364 retained).
Molecular consequence: synonymous variant.
Genome position (GRCh38, 1-based): chr17:68,395,073, C>T. VCF-style: chr17-68395073-C-T. GRCh37 (hg19) VCF-style: chr17-66391214-C-T.
Other names: c.1092C>T, p.Ser364= (NM_001352899.2, NM_001352900.2, NM_001352901.2 and 3 more transcripts); c.1089C>T, p.Ser363= (NM_001352903.2, NM_001352904.2, NM_001352905.2 and 2 more transcripts); c.1044C>T, p.Ser348= (NM_001352909.2); c.1092C>T (NM_014960.4, NM_014960.3).
Identifiers: ClinVar variation 1435253 (VCV001435253.9), dbSNP rs199774302, ClinGen allele CA8728485.